The following is an entry in ClinVar:

NM_000720.4(CACNA1D):c.1479G>A (p.Trp493Ter)

Gene: CACNA1D (calcium voltage-gated channel subunit alpha1 D; plus strand). Cytogenetic location: 3p21.1.
Variant type: single nucleotide variant.
Coding change: c.1479G>A on transcript NM_000720.4 (MANE Plus Clinical); coding-DNA position 1479, G replaced by A.
Protein change: p.Trp493Ter; replaces tryptophan 493 with a stop codon.
Molecular consequence: nonsense. On other transcripts: intron variant (2).
Genome position (GRCh38, 1-based): chr3:53,718,682, G>A. VCF-style: chr3-53718682-G-A. GRCh37 (hg19) VCF-style: chr3-53752709-G-A.
Other names: c.1478+294G>A (NM_001128840.3, NM_001128839.3); short protein forms W493*.
Identifiers: ClinVar variation 1389490 (VCV001389490.6), dbSNP rs2108684831, ClinGen allele CA353236093.
Genomic context (GRCh38, chr3:53,718,682, plus strand): 5'-CTGTAAGTAGAGCCCGTGAAGAATGTGGTGGTTAACCTGGCCACCTGCTGTGTCCATTAG[G>A]TGCTGGTGGAGACGGAGAGGCGCGGCCAAGGCGGGGCCCTCTGGGTGTCGGCGGTGGGGG-3'

ClinVar aggregate classification (germline): Uncertain significance (1 of 4 stars; one submission).

Allele frequency attached by ClinVar (database versions not stated): gnomAD exomes below 0.00001; gnomAD 0.00001; 1000 Genomes Project 30x 0.00016.
gnomAD v4.1: 3 of 1,555,824 alleles (0.00019%); highest among the groups gnomAD compares: Admixed American, 0.0019%; no homozygotes.

Submission:

Labcorp Genetics (formerly Invitae), Labcorp
Classification: Uncertain significance. Last evaluated: 2023-11-27. Review status: criteria provided, single submitter. Criteria: Invitae Variant Classification Sherloc (09022015). Collection method: clinical testing. Allele origin: germline.
Comment: This sequence change creates a premature translational stop signal (p.Trp493*) in the CACNA1D gene. It is expected to result in an absent or disrupted protein product. However, the current clinical and genetic evidence is not sufficient to establish whether loss-of-function variants in CACNA1D cause disease. This variant is not present in population databases (gnomAD no frequency). This variant has not been reported in the literature in individuals affected with CACNA1D-related conditions. ClinVar contains an entry for this variant (Variation ID: 1389490). In summary, the available evidence is currently insufficient to determine the role of this variant in disease. Therefore, it has been classified as a Variant of Uncertain Significance.